The following is an entry in ClinVar:

ClinVar aggregate classification (germline): Benign. Review status: criteria provided, multiple submitters, no conflicts (2 of 4 stars). 7 submissions from 7 submitters: Benign (6). 1 of the submissions does not count toward it. Last evaluated 2026-02-04.

Conditions:
LAMA2-related muscular dystrophy (LAMA2-RD). Also called: Laminin alpha 2-related dystrophy. Identifiers: MedGen C5679788, MONDO:0100228.
Congenital muscular dystrophy due to partial LAMA2 deficiency. Identifiers: MedGen C1842898.

Allele frequency attached by ClinVar (database versions not stated): gnomAD exomes 0.00186 and 0.00517; ExAC 0.00679; gnomAD 0.01938 and 0.02106; 1000 Genomes Project 0.02117; 1000 Genomes Project 30x 0.02139; TOPMed 0.02249; ESP Exome Variant Server 0.02376.
gnomAD v4.1: 5,768 of 1,613,668 alleles (0.36%); highest among the groups gnomAD compares: African/African-American, 6.7%; 196 homozygotes.

Submissions (7):

Labcorp Genetics (formerly Invitae), Labcorp
Classification: Benign for LAMA2-related muscular dystrophy. Last evaluated: 2026-02-04. Review status: criteria provided, single submitter. Criteria: Invitae Variant Classification Sherloc (09022015). Collection method: clinical testing. Allele origin: germline.

Athena Diagnostics
Classification: Benign. Last evaluated: 2025-03-10. Review status: criteria provided, single submitter. Criteria: Athena Diagnostics Criteria. Collection method: clinical testing. Allele origin: unknown.
Comment: The frequency of this variant in the general population is higher than would generally be expected for pathogenic variants in this gene.

Mayo Clinic Laboratories, Mayo Clinic
Classification: Benign. Last evaluated: 2019-03-06. Review status: criteria provided, single submitter. Criteria: ACMG Guidelines, 2015. Collection method: clinical testing. Allele origin: germline. Observed: 27 variant alleles.

Illumina Laboratory Services, Illumina
Classification: Benign for Congenital muscular dystrophy due to partial LAMA2 deficiency. Last evaluated: 2018-01-12. Review status: criteria provided, single submitter. Criteria: ICSL Variant Classification Criteria 13 December 2019. Collection method: clinical testing. Allele origin: germline.
Comment: This variant was observed in the ICSL laboratory as part of a predisposition screen in an ostensibly healthy population. It had not been previously curated by ICSL or reported in the Human Gene Mutation Database (HGMD: prior to June 1st, 2018), and was therefore a candidate for classification through an automated scoring system. Utilizing variant allele frequency, disease prevalence and penetrance estimates, and inheritance mode, an automated score was calculated to assess if this variant is too frequent to cause the disease. Based on the score and internal cut-off values, a variant classified as benign is not then subjected to further curation. The score for this variant resulted in a classification of benign for this disease.

GeneDx
Classification: Benign. Last evaluated: 2016-10-13. Review status: criteria provided, single submitter. Criteria: GeneDx Variant Classification (06012015). Collection method: clinical testing. Allele origin: germline. Affected: yes.
Comment: This variant is considered likely benign or benign based on one or more of the following criteria: it is a conservative change, it occurs at a poorly conserved position in the protein, it is predicted to be benign by multiple in silico algorithms, and/or has population frequency not consistent with disease.

PreventionGenetics, part of Exact Sciences
Classification: Benign. Review status: criteria provided, single submitter. Criteria: ACMG Guidelines, 2015. Collection method: clinical testing. Allele origin: germline.

Genetic Services Laboratory, University of Chicago
Classification: Likely benign for AllHighlyPenetrant. Review status: no assertion criteria provided. Collection method: clinical testing. Allele origin: germline. Inheritance: Autosomal recessive inheritance. Not counted in ClinVar's aggregate classification.
Comment: Likely benign based on allele frequency in 1000 Genomes Project or ESP global frequency and its presence in a patient with a rare or unrelated disease phenotype. NOT Sanger confirmed.

NM_000426.4(LAMA2):c.1533T>C (p.Asn511=)

Gene: LAMA2 (laminin subunit alpha 2; plus strand). Cytogenetic location: 6q22.33.
Variant type: single nucleotide variant.
Coding change: c.1533T>C on transcript NM_000426.4 (MANE Select); coding-DNA position 1533, T replaced by C.
Protein change: p.Asn511=; no amino-acid change (asparagine 511 retained).
Molecular consequence: synonymous variant.
Genome position (GRCh38, 1-based): chr6:129,190,270, T>C. VCF-style: chr6-129190270-T-C. GRCh37 (hg19) VCF-style: chr6-129511415-T-C.
Other names: p.Asn511=; c.1533T>C, p.Asn511= (NM_001079823.2).
Identifiers: ClinVar variation 129434 (VCV000129434.21), dbSNP rs9492266, ClinGen allele CA153427.